The following is an entry in ClinVar:

NM_005811.5(GDF11):c.764G>A (p.Trp255Ter)

Gene: GDF11 (growth differentiation factor 11; plus strand). Cytogenetic location: 12q13.2.
Variant type: single nucleotide variant.
Coding change: c.764G>A on transcript NM_005811.5 (MANE Select); coding-DNA position 764, G replaced by A.
Protein change: p.Trp255Ter; replaces tryptophan 255 with a stop codon.
Molecular consequence: nonsense.
Genome position (GRCh38, 1-based): chr12:55,748,904, G>A. VCF-style: chr12-55748904-G-A. GRCh37 (hg19) VCF-style: chr12-56142688-G-A.
Other names: short protein forms W255*.
Identifiers: ClinVar variation 4056492 (VCV004056492.1).

ClinVar aggregate classification (germline): Uncertain significance (1 of 4 stars; one submission).

Conditions:
Vertebral hypersegmentation and orofacial anomalies. Identifiers: MedGen C5436851, MONDO:0030871, OMIM 619122.

Submission:

Laboratorio de Genetica e Diagnostico Molecular, Hospital Israelita Albert Einstein
Classification: Uncertain significance for Vertebral hypersegmentation and orofacial anomalies. Last evaluated: 2025-03-17. Review status: criteria provided, single submitter. Criteria: ACMG Guidelines, 2015. Collection method: clinical testing. Allele origin: germline. Affected: yes.
Comment: ACMG classification criteria: PM2 supporting